The following is an entry in ClinVar:

ClinVar aggregate classification (germline): Pathogenic (1 of 4 stars; one submission).

Submission:

Labcorp Genetics (formerly Invitae), Labcorp
Classification: Pathogenic. Last evaluated: 2024-06-11. Review status: criteria provided, single submitter. Criteria: Invitae Variant Classification Sherloc (09022015). Collection method: clinical testing. Allele origin: germline.
Comment: This sequence change creates a premature translational stop signal (p.Pro133Leufs*5) in the C7 gene. It is expected to result in an absent or disrupted protein product. Loss-of-function variants in C7 are known to be pathogenic (PMID: 9856499, 17407100). This variant is not present in population databases (gnomAD no frequency). This variant has not been reported in the literature in individuals affected with C7-related conditions. Algorithms developed to predict the effect of sequence changes on RNA splicing suggest that this variant may disrupt the consensus splice site. For these reasons, this variant has been classified as Pathogenic.

Literature cited by the submitters: PubMed 9856499; PubMed 17407100.

NM_000587.4(C7):c.398del (p.Pro133fs)

Gene: C7 (complement C7; plus strand). Cytogenetic location: 5p13.1.
Variant type: Deletion.
Coding change: c.398del on transcript NM_000587.4 (MANE Select); coding-DNA position 398, one base deleted (C; older notation c.398delC).
Protein change: p.Pro133fs; shifts the reading frame from proline 133.
Molecular consequence: frameshift variant.
Genome position (GRCh38, 1-based): chr5:40,936,455, C deleted; the last of 2 consecutive C bases (chr5:40,936,454-40,936,455); deleting either gives the same sequence. VCF-style (leftmost placement, unchanged base first): chr5-40936453-AC-A. GRCh37 (hg19) VCF-style: chr5-40936555-AC-A.
Other names: short protein forms P133fs.
Identifiers: ClinVar variation 3656263 (VCV003656263.2).